The following is an entry in ClinVar:

NM_001364905.1(LRBA):c.6155T>C (p.Leu2052Pro)

Gene: LRBA (LPS responsive beige-like anchor protein; minus strand). Cytogenetic location: 4q31.3.
Variant type: single nucleotide variant.
Coding change: c.6155T>C on transcript NM_001364905.1 (MANE Select); coding-DNA position 6155, T replaced by C.
Protein change: p.Leu2052Pro; replaces leucine 2052 with proline.
Molecular consequence: missense variant.
Genome position (GRCh38, 1-based): chr4:150,590,751, A>G on the plus strand (T>C on the coding strand, the complement: LRBA is on the minus strand). VCF-style: chr4-150590751-A-G. GRCh37 (hg19) VCF-style: chr4-151511903-A-G.
Other names: c.6155T>C, p.Leu2052Pro (NM_001199282.3, NM_001367550.1); c.6188T>C, p.Leu2063Pro (NM_006726.5); short protein forms L2063P, L2052P.
Identifiers: ClinVar variation 837008 (VCV000837008.7), dbSNP rs1013684276, ClinGen allele CA108378398.

ClinVar aggregate classification (germline): Uncertain significance (1 of 4 stars; one submission).

Conditions:
Combined immunodeficiency due to LRBA deficiency. Also called: Common variable immunodeficiency 8, with autoimmunity. Identifiers: Orphanet 445018, MedGen C3553512, MONDO:0013863, OMIM 614700.

Allele frequency attached by ClinVar (database versions not stated): gnomAD exomes 0.00001 and 0.00002; TOPMed 0.00002; gnomAD 0.00004.
gnomAD v4.1: 26 of 1,613,984 alleles (0.0016%); highest among the groups gnomAD compares: Non-Finnish European, 0.002%; no homozygotes.

Submission:

Labcorp Genetics (formerly Invitae), Labcorp
Classification: Uncertain significance for Combined immunodeficiency due to LRBA deficiency. Last evaluated: 2021-05-08. Review status: criteria provided, single submitter. Criteria: Invitae Variant Classification Sherloc (09022015). Collection method: clinical testing. Allele origin: germline.
Comment: In summary, the available evidence is currently insufficient to determine the role of this variant in disease. Therefore, it has been classified as a Variant of Uncertain Significance. Algorithms developed to predict the effect of missense changes on protein structure and function are either unavailable or do not agree on the potential impact of this missense change (SIFT: "Tolerated"; PolyPhen-2: "Probably Damaging"; Align-GVGD: "Class C0"). This variant has not been reported in the literature in individuals with LRBA-related conditions. This variant is not present in population databases (ExAC no frequency). This sequence change replaces leucine with proline at codon 2063 of the LRBA protein (p.Leu2063Pro). The leucine residue is weakly conserved and there is a moderate physicochemical difference between leucine and proline.